The following is an entry in ClinVar:

NM_003573.2(LTBP4):c.76-2A>G

Gene: LTBP4 (latent transforming growth factor beta binding protein 4; plus strand). Cytogenetic location: 19q13.2.
Variant type: single nucleotide variant.
Coding change: c.76-2A>G on transcript NM_003573.2; the canonical splice acceptor site of the intron before coding-DNA position 76, A replaced by G.
Molecular consequence: splice acceptor variant. On other transcripts: intron variant (1).
Genome position (GRCh38, 1-based): chr19:40,599,400, A>G. VCF-style: chr19-40599400-A-G. GRCh37 (hg19) VCF-style: chr19-41105306-A-G.
Other names: c.206-21A>G (NM_001042544.1).
Identifiers: ClinVar variation 1805044 (VCV001805044.1), dbSNP rs2515332551, ClinGen allele CA405929663.
Genomic context (GRCh38, chr19:40,599,400, plus strand): 5'-CCCAGTGGGAGAGCTGGATGCATTTGGTAGAGAAGTACTTGGTCCCCTCCTTCCCCACTT[A>G]GTCCCTGGCTGTCTCCGAAGCCTTCTGCAGGGTCCGAAGCTGCCAGCCCAAAAAGTGTGC-3'

ClinVar aggregate classification (germline): Uncertain significance (1 of 4 stars; one submission).

Conditions:
Cutis laxa with severe pulmonary, gastrointestinal and urinary anomalies. Also called: Cutis laxa, autosomal recessive, type IC; URBAN-RIFKIN-DAVIS SYNDROME; LTBP4-Related Cutis Laxa. Identifiers: Orphanet 221145, MedGen C2750804, MONDO:0013170, OMIM 613177. Disease mechanism: loss of function.

Submission:

Victorian Clinical Genetics Services, Murdoch Childrens Research Institute
Classification: Uncertain significance for Cutis laxa with severe pulmonary, gastrointestinal and urinary anomalies. Last evaluated: 2022-02-02. Review status: criteria provided, single submitter. Criteria: ACMG Guidelines, 2015. Collection method: clinical testing. Allele origin: germline. Inheritance: Autosomal recessive inheritance.
Comment: Based on the classification scheme VCGS_Germline_v1.3.4, this variant is classified as VUS-3A. The following criteria are met: 0102 - Loss of function is a mechanism of disease in this gene and is associated with cutis laxa type IC (MIM#613177). (I) 0106 - This gene is associated with autosomal recessive disease. (I) 0211 - Canonical splice site variant without proven consequence on splicing (no functional evidence available). (SP) 0219 - This variant is non-coding in an alternative transcript. The transcript used in this analysis is well reported in the literature (PMID: 25882708). (I) 0251 - This variant is heterozygous. (I) 0301 - Variant is absent from gnomAD (both v2 and v3). (SP) 0311 - An alternative nucleotide change at the same canonical splice site is present in gnomAD (v2) (c.76-1G>A; 2 heterozygotes, 0 homozygotes). (I) 0505 - Abnormal splicing is predicted by in silico tools and affected nucleotide is highly conserved. (SP) 0807 - This variant has no previous evidence of pathogenicity. (I) 0905 - No published segregation evidence has been identified for this variant. (I) 1007 - No published functional evidence has been identified for this variant. (I) 0705 - No comparable canonical splice site variants at this splice junction have previous evidence for pathogenicity. (I) Legend: (SP) - Supporting pathogenic, (I) - Information, (SB) - Supporting benign

Literature cited by the submitters: PubMed 25882708.